The following is an entry in ClinVar:

ClinVar aggregate classification (germline): Uncertain significance. Review status: criteria provided, multiple submitters, no conflicts (2 of 4 stars). 4 submissions from 4 submitters: Uncertain significance (4). Last evaluated 2025-08-29.

Conditions:
Intellectual developmental disorder, autosomal dominant 50, with behavioral abnormalities. Also called: Intellectual disability, autosomal dominant 50; MENTAL RETARDATION, AUTOSOMAL DOMINANT 50. Identifiers: MedGen C4540470, MONDO:0030916, OMIM 617787.
Inborn genetic diseases. Identifiers: MedGen C0950123, MeSH D030342.

Allele frequency attached by ClinVar (database versions not stated): gnomAD 0.00002; TOPMed 0.00004.
gnomAD v4.1: 68 of 1,613,854 alleles (0.0042%); highest among the groups gnomAD compares: Non-Finnish European, 0.0055%; no homozygotes.

Submissions (4):

Labcorp Genetics (formerly Invitae), Labcorp
Classification: Uncertain significance. Last evaluated: 2025-08-29. Review status: criteria provided, single submitter. Criteria: Invitae Variant Classification Sherloc (09022015). Collection method: clinical testing. Allele origin: germline.
Comment: This sequence change replaces aspartic acid, which is acidic and polar, with valine, which is neutral and non-polar, at codon 846 of the NAA15 protein (p.Asp846Val). This variant is present in population databases (rs774816531, gnomAD 0.003%). This variant has not been reported in the literature in individuals affected with NAA15-related conditions. ClinVar contains an entry for this variant (Variation ID: 2722710). An algorithm developed to predict the effect of missense changes on protein structure and function (PolyPhen-2) suggests that this variant is likely to be tolerated. In summary, the available evidence is currently insufficient to determine the role of this variant in disease. Therefore, it has been classified as a Variant of Uncertain Significance.

Ambry Genetics
Classification: Uncertain significance for Inborn genetic diseases. Last evaluated: 2025-04-29. Review status: criteria provided, single submitter. Criteria: Ambry Variant Classification Scheme 2023. Collection method: clinical testing. Allele origin: germline.

Pittsburgh Clinical Genomics Laboratory, University of Pittsburgh Medical Center
Classification: Uncertain significance for Intellectual developmental disorder, autosomal dominant 50, with behavioral abnormalities. Last evaluated: 2024-02-05. Review status: criteria provided, single submitter. Criteria: ACMG Guidelines, 2015. Collection method: clinical testing. Allele origin: germline. Inheritance: Autosomal dominant inheritance. Affected: yes.
Comment: This sequence variant is a single nucleotide substitution (A>T) at position 2537 of the coding sequence of the NAA15 gene that results in an aspartic acid to valine amino acid change at residue 846 of the N-alpha-acetyltransferase 15, NatA auxiliary subunit protein. This residue falls in a protein domain which interacts with HYPK (Uniprot). This variant is absent from ClinVar but is present in 68 of 1,613,854 alleles (0.004%) in the gnomAD population dataset. This variant has not been observed in an individual affected by a NAA15-related disorder in the published literature, to our knowledge. Multiple bioinformatic tools predict that this amino acid change would be neutral, and the Asp846 residue at this position is highly conserved across the vertebrate species examined. Studies examining the functional consequence of this variant have not been published, to our knowledge. At this time, there is insufficient evidence to determine if this variant is pathogenic or benign. Therefore, we consider this a variant of uncertain significance. ACMG Criteria: BP4, PM2

ARUP Laboratories, Molecular Genetics and Genomics, ARUP Laboratories
Classification: Uncertain significance for Intellectual developmental disorder, autosomal dominant 50, with behavioral abnormalities. Last evaluated: 2023-11-03. Review status: criteria provided, single submitter. Criteria: ARUP Molecular Germline Variant Investigation Process 2024. Collection method: clinical testing. Allele origin: germline.

NM_057175.5(NAA15):c.2537A>T (p.Asp846Val)

Gene: NAA15 (N-alpha-acetyltransferase 15, NatA auxiliary subunit; plus strand). Cytogenetic location: 4q31.1.
Variant type: single nucleotide variant.
Coding change: c.2537A>T on transcript NM_057175.5 (MANE Select); coding-DNA position 2537, A replaced by T.
Protein change: p.Asp846Val; replaces aspartic acid 846 with valine.
Molecular consequence: missense variant.
Genome position (GRCh38, 1-based): chr4:139,388,020, A>T. VCF-style: chr4-139388020-A-T. GRCh37 (hg19) VCF-style: chr4-140309174-A-T.
Other names: c.2534A>T, p.Asp845Val (NM_001410842.1); c.*946A>T (NM_025085.2); c.2537A>T (NM_057175.3); short protein forms D846V, D845V.
Identifiers: ClinVar variation 2722710 (VCV002722710.6), dbSNP rs774816531, ClinGen allele CA3083866.